The following is an entry in ClinVar:

ClinVar aggregate classification (germline): Conflicting classifications of pathogenicity. Review status: criteria provided, conflicting classifications (1 of 4 stars). 8 submissions from 8 submitters: Uncertain significance (5); Likely benign (3). Last evaluated 2026-10-26.

Conditions:
Connective tissue disorder. Also called: Connective tissue disease. Identifiers: MedGen C0009782, MONDO:0003900.
Hearing impairment. Also called: Impaired Hearing. Identifiers: MedGen C1384666, MONDO:0005365, HP:0000365.

Allele frequency attached by ClinVar (database versions not stated): gnomAD exomes 0.00039 and 0.00053; gnomAD 0.00044 and 0.00045; ESP Exome Variant Server 0.00046; ExAC 0.00057; 1000 Genomes Project 0.00060; 1000 Genomes Project 30x 0.00062; TOPMed 0.00066.
gnomAD v4.1: 628 of 1,611,726 alleles (0.039%); highest among the groups gnomAD compares: Admixed American, 0.11%; 1 homozygote.

Submissions (8):

GeneDx
Classification: Uncertain significance. Last evaluated: 2026-10-26. Review status: criteria provided, single submitter. Criteria: GeneDx Variant Classification Process June 2021. Collection method: clinical testing. Allele origin: germline.
Comment: In silico analysis supports that this missense variant has a deleterious effect on protein structure/function; Has not been previously published as pathogenic or benign to our knowledge

Labcorp Genetics (formerly Invitae), Labcorp
Classification: Likely benign. Last evaluated: 2026-01-26. Review status: criteria provided, single submitter. Criteria: Invitae Variant Classification Sherloc (09022015). Collection method: clinical testing. Allele origin: germline.

Blueprint Genetics
Classification: Likely benign. Last evaluated: 2024-11-18. Review status: criteria provided, single submitter. Criteria: ACMG Guidelines, 2015. Collection method: clinical testing. Allele origin: germline.

CeGaT Center for Human Genetics Tuebingen
Classification: Uncertain significance. Last evaluated: 2023-07-01. Review status: criteria provided, single submitter. Criteria: CeGaT Center For Human Genetics Tuebingen Variant Classification Criteria Version 2. Collection method: clinical testing. Allele origin: germline. Affected: yes. Observed: 1 variant allele.
Comment: COL11A2: PP3, BS1:Supporting

Department of Otolaryngology – Head & Neck Surgery, Cochlear Implant Center
Classification: Uncertain significance for Hearing impairment. Last evaluated: 2021-04-12. Review status: criteria provided, single submitter. Criteria: ClinGen HL ACMG Specifications v1. Collection method: clinical testing. Allele origin: germline. Affected: yes.
Comment: PP3_Supporting

Laboratory for Molecular Medicine, Mass General Brigham Personalized Medicine
Classification: Uncertain significance. Last evaluated: 2017-11-02. Review status: criteria provided, single submitter. Criteria: LMM Criteria. Collection method: clinical testing. Allele origin: germline. Observed: 6 variant alleles.
Comment: Variant classified as Uncertain Significance - Favor Benign. The p.Gly461Asp var iant in COL11A2 has been previously reported by our laboratory in 2 families wit h hearing loss; however, it did not segregate with hearing loss in one of the fa milies. This variant has been identified in several populations including in 29/ 34412 Latino chromosomes and 87/126550 of European chromosomes by the Genome Ag gregation Consortium (gnomAD; dbSNP rs14114079 8). Although this variant has been seen in the general population, its frequency is not high enough to rule out a pathogenic role. Computational prediction tool s and conservation analyses do not provide strong support for or against an impa ct to the protein. In summary, while the clinical significance of the p.Gly461As p variant is uncertain, the population frequency and non-segregation data sugges t that it is more likely to be benign. ACMG/AMP criteria applied: BS4, BS1_Suppo rting.

Eurofins Ntd Llc (ga)
Classification: Uncertain significance. Last evaluated: 2017-09-07. Review status: criteria provided, single submitter. Criteria: EGL Classification Definitions 2015. Collection method: clinical testing. Allele origin: germline. Observed: 3 variant alleles, 3 heterozygotes.

Center for Human Genetics, Inc
Classification: Likely benign for Connective tissue disorder. Last evaluated: 2016-11-01. Review status: criteria provided, single submitter. Criteria: ACMG Guidelines, 2015. Collection method: clinical testing. Allele origin: germline. Affected: yes.

NM_080680.3(COL11A2):c.1382G>A (p.Gly461Asp)

Gene: COL11A2 (collagen type XI alpha 2 chain; minus strand). Cytogenetic location: 6p21.32.
Variant type: single nucleotide variant.
Coding change: c.1382G>A on transcript NM_080680.3 (MANE Select); coding-DNA position 1382, G replaced by A.
Protein change: p.Gly461Asp; replaces glycine 461 with aspartic acid.
Molecular consequence: missense variant.
Genome position (GRCh38, 1-based): chr6:33,179,783, C>T on the plus strand (G>A on the coding strand, the complement: COL11A2 is on the minus strand). VCF-style: chr6-33179783-C-T. GRCh37 (hg19) VCF-style: chr6-33147560-C-T.
Other names: c.1061G>A, p.Gly354Asp (NM_080679.3); c.1124G>A, p.Gly375Asp (NM_080681.3); short protein forms G461D, G354D, G375D.
Identifiers: ClinVar variation 284958 (VCV000284958.54), dbSNP rs141140798, ClinGen allele CA3751367.